The following is an entry in ClinVar:

NM_001257360.1:c.743T>C

Gene: AMPD2 (adenosine monophosphate deaminase 2; plus strand).
Variant type: single nucleotide variant.
Other names: c.743T>C (NM_001257360.1).
Identifiers: ClinVar variation 4279656 (VCV004279656.1).

ClinVar aggregate classification (germline): Uncertain significance (1 of 4 stars; one submission).

Conditions:
AMPD2-related disorder. Also called: AMPD2-related condition.

Submission:

Daryl Scott Lab, Baylor College of Medicine
Classification: Uncertain significance for AMPD2-related disorder. Review status: criteria provided, single submitter. Criteria: ACMG Guidelines, 2015. Collection method: clinical testing. Allele origin: maternal. Affected: yes. Observed: 1 compound heterozygote.
Comment: PM2, PP3